The following is an entry in ClinVar:

NM_007347.5(AP4E1):c.2069G>A (p.Ser690Asn)

Gene: AP4E1 (adaptor related protein complex 4 subunit epsilon 1; plus strand). Cytogenetic location: 15q21.2.
Variant type: single nucleotide variant.
Coding change: c.2069G>A on transcript NM_007347.5 (MANE Select); coding-DNA position 2069, G replaced by A.
Protein change: p.Ser690Asn; replaces serine 690 with asparagine.
Molecular consequence: missense variant.
Genome position (GRCh38, 1-based): chr15:50,984,124, G>A. VCF-style: chr15-50984124-G-A. GRCh37 (hg19) VCF-style: chr15-51276321-G-A.
Other names: c.1844G>A, p.Ser615Asn (NM_001252127.2); c.2069G>A (NM_007347.3); short protein forms S615N, S690N.
Identifiers: ClinVar variation 1378194 (VCV001378194.10), dbSNP rs1447319588, ClinGen allele CA392419120.

ClinVar aggregate classification (germline): Uncertain significance. Review status: criteria provided, multiple submitters, no conflicts (2 of 4 stars). 2 submissions from 2 submitters: Uncertain significance (2). Last evaluated 2026-06-24.

Conditions:
Spastic paraplegia. Identifiers: MedGen C0037772, HP:0001258.
Inborn genetic diseases. Identifiers: MedGen C0950123, MeSH D030342.

Allele frequency attached by ClinVar (database versions not stated): gnomAD exomes 0.00001.
gnomAD v4.1: 9 of 1,613,348 alleles (0.00056%); highest among the groups gnomAD compares: Non-Finnish European, 0.00076%; no homozygotes.

Submissions (2):

Ambry Genetics
Classification: Uncertain significance for Inborn genetic diseases. Last evaluated: 2026-06-24. Review status: criteria provided, single submitter. Criteria: Ambry Variant Classification Scheme 2023. Collection method: clinical testing. Allele origin: germline.

Labcorp Genetics (formerly Invitae), Labcorp
Classification: Uncertain significance for Spastic paraplegia. Last evaluated: 2025-05-19. Review status: criteria provided, single submitter. Criteria: Invitae Variant Classification Sherloc (09022015). Collection method: clinical testing. Allele origin: germline.
Comment: This sequence change replaces serine, which is neutral and polar, with asparagine, which is neutral and polar, at codon 690 of the AP4E1 protein (p.Ser690Asn). This variant is present in population databases (no rsID available, gnomAD 0.002%). This variant has not been reported in the literature in individuals affected with AP4E1-related conditions. ClinVar contains an entry for this variant (Variation ID: 1378194). An algorithm developed to predict the effect of missense changes on protein structure and function (PolyPhen-2) suggests that this variant is likely to be disruptive. In summary, the available evidence is currently insufficient to determine the role of this variant in disease. Therefore, it has been classified as a Variant of Uncertain Significance.